The following is an entry in ClinVar:

ClinVar aggregate classification (germline): Likely benign. Review status: reviewed by expert panel (3 of 4 stars). 29 submissions from 29 submitters: Likely benign (1). 28 of the submissions do not count toward it. Last evaluated 2017-06-29.

Conditions:
Breast and/or ovarian cancer. Identifiers: MedGen CN221562.
Hereditary cancer-predisposing syndrome. Also called: Tumor predisposition; Hereditary neoplastic syndrome; Hereditary Cancer Syndrome; Neoplastic Syndromes, Hereditary. Identifiers: Orphanet 140162, MedGen C0027672, MeSH D009386, MONDO:0015356.
Hereditary breast ovarian cancer syndrome. Also called: Hereditary breast and ovarian cancer; Hereditary breast and/or ovarian cancer syndrome; BRCA1- and BRCA2-Associated Hereditary Breast and Ovarian Cancer; Hereditary breast and ovarian cancer syndrome (HBOC); Hereditary breast and ovarian cancer syndrome; Breast and ovarian cancer. Identifiers: Orphanet 145, MedGen C0677776, MeSH D061325, MONDO:0003582. Disease mechanism: loss of function.
Breast-ovarian cancer, familial, susceptibility to, 1 (BROVCA1). Also called: BRCA1 Hereditary Breast and Ovarian Cancer; OVARIAN CANCER, SUSCEPTIBILITY TO. Identifiers: Orphanet 145, MedGen C2676676, MONDO:0011450, OMIM 604370. Disease mechanism: loss of function.
Familial cancer of breast. Also called: Hereditary breast cancer; hereditary breast carcinoma; BREAST CANCER, FAMILIAL. Identifiers: Orphanet 227535, MedGen C0346153, MONDO:0016419, OMIM 114480. Disease mechanism: loss of function.
Malignant tumor of breast. Also called: Cancer breast; Malignant breast neoplasm. Identifiers: MedGen C0006142, MONDO:0007254. Disease mechanism: loss of function.

Allele frequency attached by ClinVar (database versions not stated): gnomAD exomes 0.00013 and 0.00037; ExAC 0.00050; ESP Exome Variant Server 0.00123; gnomAD 0.00135 and 0.00150; TOPMed 0.00141; 1000 Genomes Project 0.00160; 1000 Genomes Project 30x 0.00187.
gnomAD v4.1: 421 of 1,612,698 alleles (0.026%); highest among the groups gnomAD compares: African/African-American, 0.46%; 1 homozygote.

Submissions 1 to 22 of 30:

Evidence-based Network for the Interpretation of Germline Mutant Alleles (ENIGMA)
Classification: Likely benign for Breast-ovarian cancer, familial, susceptibility to, 1. Last evaluated: 2017-06-29. Review status: reviewed by expert panel. Criteria: ENIGMA BRCA1/2 Classification Criteria (2017-06-29). Collection method: curation. Allele origin: germline.
Comment: Synonymous substitution variant, with low bioinformatic likelihood to result in a splicing aberration (Splicing prior probability 0.02).

Labcorp Genetics (formerly Invitae), Labcorp
Classification: Benign for Hereditary breast ovarian cancer syndrome. Last evaluated: 2026-02-03. Review status: criteria provided, single submitter. Criteria: Invitae Variant Classification Sherloc (09022015). Collection method: clinical testing. Allele origin: germline. Not counted in ClinVar's aggregate classification.

Center for Genomic Medicine, Rigshospitalet, Copenhagen University Hospital
Classification: Likely benign. Last evaluated: 2025-03-04. Review status: criteria provided, single submitter. Criteria: ACMG Guidelines, 2015. Collection method: clinical testing. Allele origin: germline. Not counted in ClinVar's aggregate classification.

ARUP Laboratories, Molecular Genetics and Genomics, ARUP Laboratories
Classification: Benign. Last evaluated: 2025-02-28. Review status: criteria provided, single submitter. Criteria: ARUP Molecular Germline Variant Investigation Process 2024. Collection method: clinical testing. Allele origin: germline. Not counted in ClinVar's aggregate classification.

Hereditary Cancer Laboratory, Hospital Universitario 12 de Octubre
Classification: Likely benign for Hereditary cancer-predisposing syndrome. Last evaluated: 2024-12-16. Review status: criteria provided, single submitter. Criteria: ACMG Guidelines, 2015. Collection method: clinical testing. Allele origin: germline. Not counted in ClinVar's aggregate classification.
Comment: PM2+BP4+BP6+BP7

Mayo Clinic Laboratories, Mayo Clinic
Classification: Benign. Last evaluated: 2024-09-29. Review status: criteria provided, single submitter. Criteria: ACMG Guidelines, 2015. Collection method: clinical testing. Allele origin: germline. Observed: 6 variant alleles. Not counted in ClinVar's aggregate classification.
Comment: BA1, BP1_strong

Blueprint Genetics
Classification: Likely benign. Last evaluated: 2024-08-06. Review status: criteria provided, single submitter. Criteria: ACMG Guidelines, 2015. Collection method: clinical testing. Allele origin: germline. Not counted in ClinVar's aggregate classification.

KCCC/NGS Laboratory, Kuwait Cancer Control Center
Classification: Likely benign for Breast-ovarian cancer, familial, susceptibility to, 1. Last evaluated: 2023-07-07. Review status: criteria provided, single submitter. Criteria: ACMG Guidelines, 2015. Collection method: clinical testing. Allele origin: germline. Affected: yes. Not counted in ClinVar's aggregate classification.

CHEO Genetics Diagnostic Laboratory, Children's Hospital of Eastern Ontario
Classification: Likely benign for Breast and/or ovarian cancer. Last evaluated: 2023-03-01. Review status: criteria provided, single submitter. Criteria: ACMG Guidelines, 2015. Collection method: clinical testing. Allele origin: germline. Not counted in ClinVar's aggregate classification.

Institute for Biomarker Research, Medical Diagnostic Laboratories, L.L.C.
Classification: Benign for Hereditary breast ovarian cancer syndrome. Last evaluated: 2023-01-24. Review status: criteria provided, single submitter. Criteria: ACMG Guidelines, 2015. Collection method: clinical testing. Allele origin: germline. Not counted in ClinVar's aggregate classification.

National Health Laboratory Service, Universitas Academic Hospital and University of the Free State
Classification: Likely benign for Hereditary breast ovarian cancer syndrome. Last evaluated: 2022-04-19. Review status: criteria provided, single submitter. Criteria: ACMG Guidelines, 2015. Collection method: clinical testing. Allele origin: germline. Affected: yes. Observed: 26 variant alleles. Not counted in ClinVar's aggregate classification.

Genetics Program, Instituto Nacional de Cancer
Classification: Likely benign for Hereditary breast ovarian cancer syndrome. Last evaluated: 2021-11-01. Review status: criteria provided, single submitter. Criteria: ACMG Guidelines, 2015. Collection method: research. Allele origin: germline. Affected: yes. Not counted in ClinVar's aggregate classification.

Sema4
Classification: Benign for Hereditary cancer-predisposing syndrome. Last evaluated: 2020-11-19. Review status: criteria provided, single submitter. Criteria: Sema4 Curation Guidelines. Collection method: curation. Allele origin: germline. Not counted in ClinVar's aggregate classification.

CeGaT Center for Human Genetics Tuebingen
Classification: Likely benign. Last evaluated: 2020-05-01. Review status: criteria provided, single submitter. Criteria: CeGaT Center For Human Genetics Tuebingen Variant Classification Criteria Version 2. Collection method: clinical testing. Allele origin: germline. Affected: yes. Observed: 1 variant allele. Not counted in ClinVar's aggregate classification.

Genetic Services Laboratory, University of Chicago
Classification: Likely benign. Last evaluated: 2020-03-03. Review status: criteria provided, single submitter. Criteria: ACMG Guidelines, 2015. Collection method: clinical testing. Allele origin: germline. Affected: no. Not counted in ClinVar's aggregate classification.

Mendelics
Classification: Likely benign for Breast-ovarian cancer, familial, susceptibility to, 1. Last evaluated: 2019-05-28. Review status: criteria provided, single submitter. Criteria: Mendelics Assertion Criteria 2017. Collection method: clinical testing. Allele origin: unknown. Not counted in ClinVar's aggregate classification.

Illumina Laboratory Services, Illumina
Classification: Likely benign for Breast-ovarian cancer, familial, susceptibility to, 1. Last evaluated: 2017-12-06. Review status: criteria provided, single submitter. Criteria: ICSL Variant Classification Criteria 13 December 2019. Collection method: clinical testing. Allele origin: germline. Not counted in ClinVar's aggregate classification.
Comment: This variant was observed as part of a predisposition screen in an ostensibly healthy population. A literature search was performed for the gene, cDNA change, and amino acid change (where applicable). Publications were found based on this search. The evidence from the literature, in combination with allele frequency data from public databases where available, was sufficient to determine this variant is unlikely to cause disease. Therefore, this variant is classified as likely benign.

PreventionGenetics, part of Exact Sciences
Classification: Benign. Last evaluated: 2017-07-14. Review status: criteria provided, single submitter. Criteria: ACMG Guidelines, 2015. Collection method: clinical testing. Allele origin: germline. Not counted in ClinVar's aggregate classification.

Baylor Genetics
Classification: Benign for Familial cancer of breast. Last evaluated: 2017-02-23. Review status: criteria provided, single submitter. Criteria: ACMG Guidelines, 2015. Collection method: clinical testing. Allele origin: germline. Inheritance: Autosomal dominant inheritance. Affected: no. Not counted in ClinVar's aggregate classification.

Color Diagnostics, LLC DBA Color Health
Classification: Likely benign for Hereditary cancer-predisposing syndrome. Last evaluated: 2015-07-28. Review status: criteria provided, single submitter. Criteria: ACMG Guidelines, 2015. Collection method: clinical testing. Allele origin: germline. Not counted in ClinVar's aggregate classification.

Eurofins Ntd Llc (ga)
Classification: Likely benign. Last evaluated: 2014-09-26. Review status: criteria provided, single submitter. Criteria: EGL Classification Definitions 2015. Collection method: clinical testing. Allele origin: germline. Observed: 2 variant alleles, 2 heterozygotes. Not counted in ClinVar's aggregate classification.

Ambry Genetics
Classification: Likely benign for Hereditary cancer-predisposing syndrome. Last evaluated: 2014-06-12. Review status: criteria provided, single submitter. Criteria: Ambry Variant Classification Scheme 2023. Collection method: clinical testing. Allele origin: germline. Not counted in ClinVar's aggregate classification.

NM_007294.4(BRCA1):c.4113G>A (p.Gly1371=)

Gene: BRCA1 (BRCA1 DNA repair associated; minus strand). Cytogenetic location: 17q21.31.
Variant type: single nucleotide variant.
Coding change: c.4113G>A on transcript NM_007294.4 (MANE Select); coding-DNA position 4113, G replaced by A.
Protein change: p.Gly1371=; no amino-acid change (glycine 1371 retained).
Molecular consequence: synonymous variant.
Genome position (GRCh38, 1-based): chr17:43,091,016, C>T on the plus strand (G>A on the coding strand, the complement: BRCA1 is on the minus strand). VCF-style: chr17-43091016-C-T. GRCh37 (hg19) VCF-style: chr17-41243033-C-T.
Other names: p.G1371G:GGG>GGA; NP_009225.1:p.Gly1371=; p.Gly1371=; c.3900G>A, p.Gly1300= (NM_001407571.1, NM_001407853.1, NM_001407894.1 and 9 more transcripts); c.4113G>A, p.Gly1371= (NM_001407581.1, NM_001407582.1, NM_001407583.1 and 30 more transcripts); c.4110G>A, p.Gly1370= (NM_001407587.1, NM_001407590.1, NM_001407591.1 and 22 more transcripts); c.4104G>A, p.Gly1368= (NM_001407646.1, NM_001407647.1); c.3990G>A, p.Gly1330= (NM_001407648.1, NM_001407664.1, NM_001407665.1 and 19 more transcripts); and 45 more.
Identifiers: ClinVar variation 136547 (VCV000136547.125), dbSNP rs147448807, ClinGen allele CA002635.